The following is an entry in ClinVar:

NM_000238.4(KCNH2):c.34A>T (p.Asn12Tyr)

Gene: KCNH2 (potassium voltage-gated channel subfamily H member 2; minus strand). Cytogenetic location: 7q36.1.
Variant type: single nucleotide variant.
Coding change: c.34A>T on transcript NM_000238.4 (MANE Select); coding-DNA position 34, A replaced by T.
Protein change: p.Asn12Tyr; replaces asparagine 12 with tyrosine.
Molecular consequence: missense variant.
Genome position (GRCh38, 1-based): chr7:150,977,880, T>A on the plus strand (A>T on the coding strand, the complement: KCNH2 is on the minus strand). VCF-style: chr7-150977880-T-A. GRCh37 (hg19) VCF-style: chr7-150674968-T-A.
Other names: c.34A>T, p.Asn12Tyr (NM_172056.3); short protein forms N12Y.
Identifiers: ClinVar variation 1407694 (VCV001407694.9), dbSNP rs1412463792, ClinGen allele CA369866726.
Genomic context (GRCh38, chr7:150,977,880, plus strand): 5'-GCCCCCTCCCCCACTCACTCTGGCCCTCAAACTTGCGGATGATGGTGTCCAGGAAGGTGT[T>A]CTGCGGCGCGACGTGGCCCCTCCGCACCGGCATCCTGAGCCCATGGGCGGGCCGGGCGGG-3'
Protein context (NP_000229.1, residues 2-22): PVRRGHVAPQ[Asn12Tyr]TFLDTIIRKF

ClinVar aggregate classification (germline): Uncertain significance (1 of 4 stars; one submission).

Conditions:
Long QT syndrome (LQTS). Identifiers: MedGen C0023976, MeSH D008133, MONDO:0002442. Disease mechanism: loss of function. Inheritance: Various modes of inheritance.

Submission:

Labcorp Genetics (formerly Invitae), Labcorp
Classification: Uncertain significance for Long QT syndrome. Last evaluated: 2021-05-31. Review status: criteria provided, single submitter. Criteria: Invitae Variant Classification Sherloc (09022015). Collection method: clinical testing. Allele origin: germline.
Comment: In summary, the available evidence is currently insufficient to determine the role of this variant in disease. Therefore, it has been classified as a Variant of Uncertain Significance. Algorithms developed to predict the effect of missense changes on protein structure and function are either unavailable or do not agree on the potential impact of this missense change (SIFT: "Tolerated"; PolyPhen-2: "Possibly Damaging"; Align-GVGD: "Class C0"). This variant has not been reported in the literature in individuals with KCNH2-related conditions. This variant is not present in population databases (ExAC no frequency). This sequence change replaces asparagine with tyrosine at codon 12 of the KCNH2 protein (p.Asn12Tyr). The asparagine residue is weakly conserved and there is a large physicochemical difference between asparagine and tyrosine.